The following is an entry in ClinVar:

NM_000075.4(CDK4):c.-19G>A

Gene: CDK4 (cyclin dependent kinase 4; minus strand). Cytogenetic location: 12q14.1.
Variant type: single nucleotide variant.
Coding change: c.-19G>A on transcript NM_000075.4 (MANE Select); 19 bases upstream of the start codon, G replaced by A.
Molecular consequence: 5 prime UTR variant.
Genome position (GRCh38, 1-based): chr12:57,751,736, C>T on the plus strand (G>A on the coding strand, the complement: CDK4 is on the minus strand). VCF-style: chr12-57751736-C-T. GRCh37 (hg19) VCF-style: chr12-58145519-C-T.
Identifiers: ClinVar variation 2663136 (VCV002663136.1), dbSNP rs1427724413, ClinGen allele CA605706308.

ClinVar aggregate classification (germline): Uncertain significance (1 of 4 stars; one submission).

Allele frequency attached by ClinVar (database versions not stated): gnomAD exomes below 0.00001.

Submission:

GeneDx
Classification: Uncertain significance. Last evaluated: 2023-04-04. Review status: criteria provided, single submitter. Criteria: GeneDx Variant Classification Process June 2021. Collection method: clinical testing. Allele origin: germline. Affected: yes.
Comment: Not observed at significant frequency in large population cohorts (gnomAD); Has not been previously published as pathogenic or benign to our knowledge; In silico analysis is inconclusive as to whether the variant alters gene splicing. In the absence of RNA/functional studies, the actual effect of this sequence change is unknown.